The following is an entry in ClinVar:

NM_000397.4(CYBB):c.1503G>A (p.Val501=)

Gene: CYBB (cytochrome b-245 beta chain; plus strand). Cytogenetic location: Xp11.4.
Variant type: single nucleotide variant.
Coding change: c.1503G>A on transcript NM_000397.4 (MANE Select); coding-DNA position 1503, G replaced by A.
Protein change: p.Val501=; no amino-acid change (valine 501 retained).
Molecular consequence: synonymous variant.
Genome position (GRCh38, 1-based): chrX:37,809,608, G>A. VCF-style: chrX-37809608-G-A. GRCh37 (hg19) VCF-style: chrX-37668861-G-A.
Other names: c.1503G>A (NM_000397.3).
Identifiers: ClinVar variation 1540070 (VCV001540070.9), dbSNP rs187491185, ClinGen allele CA10383910.

ClinVar aggregate classification (germline): Likely benign. Review status: criteria provided, multiple submitters, no conflicts (2 of 4 stars). 2 submissions from 2 submitters: Likely benign (2). Last evaluated 2026-05-21.

Conditions:
CYBB-related disorder. Also called: CYBB-related condition.
Granulomatous disease, chronic, X-linked. Also called: GRANULOMATOUS DISEASE, CHRONIC, X-LINKED, SOMATIC MOSAIC; CYTOCHROME b-NEGATIVE GRANULOMATOUS DISEASE, CHRONIC, X-LINKED. Identifiers: Orphanet 379, MedGen C1844376, MONDO:0010600, OMIM 306400.

Allele frequency attached by ClinVar (database versions not stated): gnomAD exomes below 0.00001 and 0.00001; gnomAD 0.00001 and 0.00002; ExAC 0.00002; 1000 Genomes Project 0.00026; 1000 Genomes Project 30x 0.00042.
gnomAD v4.1: 4 of 1,201,978 alleles (0.00033%); highest among the groups gnomAD compares: Admixed American, 0.0089%; no homozygotes.

Submissions (2):

PreventionGenetics, part of Exact Sciences
Classification: Likely benign for CYBB-related condition. Last evaluated: 2026-05-21. Review status: criteria provided, single submitter. Criteria: ACMG Guidelines, 2015. Collection method: clinical testing. Allele origin: germline.
Comment: This variant is classified as likely benign based on ACMG/AMP sequence variant interpretation guidelines (Richards et al. 2015 PMID: 25741868, with internal and published modifications).

Labcorp Genetics (formerly Invitae), Labcorp
Classification: Likely benign for Granulomatous disease, chronic, X-linked. Last evaluated: 2026-01-12. Review status: criteria provided, single submitter. Criteria: Invitae Variant Classification Sherloc (09022015). Collection method: clinical testing. Allele origin: germline.